The following is an entry in ClinVar:

ClinVar aggregate classification (germline): Likely benign. Review status: criteria provided, multiple submitters, no conflicts (2 of 4 stars). 2 submissions from 2 submitters: Likely benign (2). Last evaluated 2022-11-03.

Conditions:
Hereditary spastic paraplegia 39 (SPG39). Also called: SPASTIC PARAPLEGIA 39, AUTOSOMAL RECESSIVE; Spastic Paraplegia Type 39 (SPG39). Identifiers: Orphanet 139480, MedGen C2677586, MONDO:0012787, OMIM 612020.

Allele frequency attached by ClinVar (database versions not stated): gnomAD exomes 0.00002 and 0.00004; ExAC 0.00003; TOPMed 0.00005.
gnomAD v4.1: 42 of 1,613,504 alleles (0.0026%); highest among the groups gnomAD compares: Non-Finnish European, 0.00068%; no homozygotes.

Submissions (2):

Labcorp Genetics (formerly Invitae), Labcorp
Classification: Likely benign for Hereditary spastic paraplegia 39. Last evaluated: 2022-11-03. Review status: criteria provided, single submitter. Criteria: Invitae Variant Classification Sherloc (09022015). Collection method: clinical testing. Allele origin: germline.

GeneDx
Classification: Likely benign. Last evaluated: 2016-07-22. Review status: criteria provided, single submitter. Criteria: GeneDx Variant Classification (06012015). Collection method: clinical testing. Allele origin: germline. Affected: yes.
Comment: This variant is considered likely benign or benign based on one or more of the following criteria: it is a conservative change, it occurs at a poorly conserved position in the protein, it is predicted to be benign by multiple in silico algorithms, and/or has population frequency not consistent with disease.

NM_001166114.2(PNPLA6):c.1626C>T (p.Phe542=)

Gene: PNPLA6 (patatin like domain 6, lysophospholipase; plus strand). Cytogenetic location: 19p13.2.
Variant type: single nucleotide variant.
Coding change: c.1626C>T on transcript NM_001166114.2 (MANE Select); coding-DNA position 1626, C replaced by T.
Protein change: p.Phe542=; no amino-acid change (phenylalanine 542 retained).
Molecular consequence: synonymous variant.
Genome position (GRCh38, 1-based): chr19:7,549,924, C>T. VCF-style: chr19-7549924-C-T. GRCh37 (hg19) VCF-style: chr19-7614810-C-T.
Other names: c.1653C>T, p.Phe551= (NM_001166111.2); c.1431C>T, p.Phe477= (NM_001166112.2); c.1509C>T, p.Phe503= (NM_001166113.1, NM_006702.5).
Identifiers: ClinVar variation 387876 (VCV000387876.8), dbSNP rs778970098, ClinGen allele CA9139899.